The following is an entry in ClinVar:

ClinVar aggregate classification (germline): Uncertain significance (1 of 4 stars; one submission).

Submission:

Labcorp Genetics (formerly Invitae), Labcorp
Classification: Uncertain significance. Last evaluated: 2024-12-16. Review status: criteria provided, single submitter. Criteria: Invitae Variant Classification Sherloc (09022015). Collection method: clinical testing. Allele origin: germline.
Comment: This sequence change replaces methionine, which is neutral and non-polar, with threonine, which is neutral and polar, at codon 70 of the MYO7A protein (p.Met70Thr). This variant is not present in population databases (gnomAD no frequency). This variant has not been reported in the literature in individuals affected with MYO7A-related conditions. ClinVar contains an entry for this variant (Variation ID: 1976308). Invitae Evidence Modeling of protein sequence and biophysical properties (such as structural, functional, and spatial information, amino acid conservation, physicochemical variation, residue mobility, and thermodynamic stability) indicates that this missense variant is expected to disrupt MYO7A protein function with a positive predictive value of 95%. In summary, the available evidence is currently insufficient to determine the role of this variant in disease. Therefore, it has been classified as a Variant of Uncertain Significance.

NM_000260.4(MYO7A):c.209T>C (p.Met70Thr)

Gene: MYO7A (myosin VIIA; plus strand). Cytogenetic location: 11q13.5.
Variant type: single nucleotide variant.
Coding change: c.209T>C on transcript NM_000260.4 (MANE Select); coding-DNA position 209, T replaced by C.
Protein change: p.Met70Thr; replaces methionine 70 with threonine.
Molecular consequence: missense variant.
Genome position (GRCh38, 1-based): chr11:77,147,874, T>C. VCF-style: chr11-77147874-T-C. GRCh37 (hg19) VCF-style: chr11-76858920-T-C.
Other names: c.209T>C, p.Met70Thr (NM_001127180.2); c.176T>C, p.Met59Thr (NM_001369365.1); short protein forms M59T, M70T.
Identifiers: ClinVar variation 1976308 (VCV001976308.5), dbSNP rs2496576343, ClinGen allele CA381929014.